The following is an entry in ClinVar:

ClinVar aggregate classification (germline): Uncertain significance. Review status: criteria provided, multiple submitters, no conflicts (2 of 4 stars). 2 submissions from 2 submitters: Uncertain significance (2). Last evaluated 2025-11-26.

Conditions:
Inborn genetic diseases. Identifiers: MedGen C0950123, MeSH D030342.

Allele frequency attached by ClinVar (database versions not stated): gnomAD exomes 0.00004 and 0.00003; gnomAD 0.00005; ExAC 0.00003; ESP Exome Variant Server 0.00008.
gnomAD v4.1: 58 of 1,613,902 alleles (0.0036%); highest among the groups gnomAD compares: South Asian, 0.012%; no homozygotes.

Submissions (2):

Ambry Genetics
Classification: Uncertain significance for Inborn genetic diseases. Last evaluated: 2025-11-26. Review status: criteria provided, single submitter. Criteria: Ambry Variant Classification Scheme 2023. Collection method: clinical testing. Allele origin: germline.

GeneDx
Classification: Uncertain significance. Last evaluated: 2021-05-13. Review status: criteria provided, single submitter. Criteria: GeneDx Variant Classification Process June 2021. Collection method: clinical testing. Allele origin: germline. Affected: yes.
Comment: Not observed at a significant frequency in large population cohorts (Lek et al., 2016); In silico analysis supports that this missense variant does not alter protein structure/function; Has not been previously published as pathogenic or benign to our knowledge

NM_003793.4(CTSF):c.1204G>A (p.Val402Met)

Gene: CTSF (cathepsin F; minus strand). Cytogenetic location: 11q13.2.
Variant type: single nucleotide variant.
Coding change: c.1204G>A on transcript NM_003793.4 (MANE Select); coding-DNA position 1204, G replaced by A.
Protein change: p.Val402Met; replaces valine 402 with methionine.
Molecular consequence: missense variant.
Genome position (GRCh38, 1-based): chr11:66,564,768, C>T on the plus strand (G>A on the coding strand, the complement: CTSF is on the minus strand). VCF-style: chr11-66564768-C-T. GRCh37 (hg19) VCF-style: chr11-66332239-C-T.
Other names: short protein forms V402M.
Identifiers: ClinVar variation 1204761 (VCV001204761.4), dbSNP rs375891471, ClinGen allele CA6125287.